The following is an entry in ClinVar:

ClinVar aggregate classification (germline): Uncertain significance (1 of 4 stars; one submission).

Allele frequency attached by ClinVar (database versions not stated): TOPMed below 0.00001.

Submission:

Labcorp Genetics (formerly Invitae), Labcorp
Classification: Uncertain significance. Last evaluated: 2021-12-30. Review status: criteria provided, single submitter. Criteria: Invitae Variant Classification Sherloc (09022015). Collection method: clinical testing. Allele origin: germline.
Comment: This sequence change replaces isoleucine, which is neutral and non-polar, with threonine, which is neutral and polar, at codon 34 of the PHYH protein (p.Ile34Thr). This variant is not present in population databases (gnomAD no frequency). This variant has not been reported in the literature in individuals affected with PHYH-related conditions. Algorithms developed to predict the effect of missense changes on protein structure and function (SIFT, PolyPhen-2, Align-GVGD) all suggest that this variant is likely to be tolerated. In summary, the available evidence is currently insufficient to determine the role of this variant in disease. Therefore, it has been classified as a Variant of Uncertain Significance.

NM_006214.4(PHYH):c.101T>C (p.Ile34Thr)

Gene: PHYH (phytanoyl-CoA 2-hydroxylase; minus strand). Cytogenetic location: 10p13.
Variant type: single nucleotide variant.
Coding change: c.101T>C on transcript NM_006214.4 (MANE Select); coding-DNA position 101, T replaced by C.
Protein change: p.Ile34Thr; replaces isoleucine 34 with threonine.
Molecular consequence: missense variant. On other transcripts: 5 prime UTR variant (1), intron variant (2).
Genome position (GRCh38, 1-based): chr10:13,298,220, A>G on the plus strand (T>C on the coding strand, the complement: PHYH is on the minus strand). VCF-style: chr10-13298220-A-G. GRCh37 (hg19) VCF-style: chr10-13340220-A-G.
Other names: c.-200T>C (NM_001323080.2); c.101T>C, p.Ile34Thr (NM_001323082.2, NM_001323083.2); c.-167+1200T>C (NM_001037537.2, NM_001323084.2); short protein forms I34T.
Identifiers: ClinVar variation 2048227 (VCV002048227.1), dbSNP rs1193207427, ClinGen allele CA376038156.